The following is an entry in ClinVar:

NM_000089.4(COL1A2):c.431A>C (p.Asp144Ala)

Gene: COL1A2 (collagen type I alpha 2 chain; plus strand). Cytogenetic location: 7q21.3.
Variant type: single nucleotide variant.
Coding change: c.431A>C on transcript NM_000089.4 (MANE Select); coding-DNA position 431, A replaced by C.
Protein change: p.Asp144Ala; replaces aspartic acid 144 with alanine.
Molecular consequence: missense variant.
Genome position (GRCh38, 1-based): chr7:94,404,891, A>C. VCF-style: chr7-94404891-A-C. GRCh37 (hg19) VCF-style: chr7-94034203-A-C.
Other names: short protein forms D144A.
Identifiers: ClinVar variation 1800613 (VCV001800613.1), dbSNP rs1584316181, ClinGen allele CA368219742.

ClinVar aggregate classification (germline): Uncertain significance (1 of 4 stars; one submission).

Submission:

GeneDx
Classification: Uncertain significance. Last evaluated: 2022-05-19. Review status: criteria provided, single submitter. Criteria: GeneDx Variant Classification Process June 2021. Collection method: clinical testing. Allele origin: germline. Affected: yes.
Comment: Not observed at significant frequency in large population cohorts (gnomAD); In silico analysis supports that this missense variant has a deleterious effect on protein structure/function; Has not been previously published as pathogenic or benign to our knowledge